The following is an entry in ClinVar:

NM_000089.4(COL1A2):c.3278G>A (p.Gly1093Asp)

Gene: COL1A2 (collagen type I alpha 2 chain; plus strand). Cytogenetic location: 7q21.3.
Variant type: single nucleotide variant.
Coding change: c.3278G>A on transcript NM_000089.4 (MANE Select); coding-DNA position 3278, G replaced by A.
Protein change: p.Gly1093Asp; replaces glycine 1093 with aspartic acid.
Molecular consequence: missense variant.
Genome position (GRCh38, 1-based): chr7:94,427,637, G>A. VCF-style: chr7-94427637-G-A. GRCh37 (hg19) VCF-style: chr7-94056949-G-A.
Other names: short protein forms G1093D.
Identifiers: ClinVar variation 4070601 (VCV004070601.1).
Genomic context (GRCh38, chr7:94,427,637, plus strand): 5'-TCACTGTAACAAAATATAAAGCCTCTCCTATCTCACTTTCACCTTTGCAGGGCCCCCCTG[G>A]TCCCCCTGGCCCTCCTGGACCTCCAGGTGTAAGCGGTGGTGGTTATGACTTTGGTTACGA-3'
Protein context (NP_000080.2, residues 1083-1103): QGHQGPAGPP[Gly1093Asp]PPGPPGPPGV

ClinVar aggregate classification (germline): Pathogenic (1 of 4 stars; one submission).

Submission:

GeneDx
Classification: Pathogenic. Last evaluated: 2025-01-16. Review status: criteria provided, single submitter. Criteria: GeneDx Variant Classification Process June 2021. Collection method: clinical testing. Allele origin: germline. Affected: yes.
Comment: Not observed at significant frequency in large population cohorts (gnomAD); In silico analysis supports that this missense variant has a deleterious effect on protein structure/function; Occurs in the triple helical domain and replaces a glycine in a canonical Gly-X-Y repeat; missense substitution of a canonical glycine residue is expected to disrupt normal protein folding and function, and this is an established mechanism of disease (PMID: 34007986); This variant is associated with the following publications: (PMID: 31429852, 34007986)